The following is an entry in ClinVar:

ClinVar aggregate classification (germline): Uncertain significance. Review status: criteria provided, multiple submitters, no conflicts (2 of 4 stars). 2 submissions from 2 submitters: Uncertain significance (2). Last evaluated 2023-02-21.

Conditions:
LAMA3-related disorder. Also called: LAMA3-related disorders; LAMA3-related condition.

Allele frequency attached by ClinVar (database versions not stated): gnomAD 0.00007; TOPMed 0.00007; ExAC 0.00014; ESP Exome Variant Server 0.00017.

Submissions (2):

PreventionGenetics, part of Exact Sciences
Classification: Uncertain significance for LAMA3-related condition. Last evaluated: 2023-02-21. Review status: criteria provided, single submitter. Criteria: ACMG Guidelines, 2015. Collection method: clinical testing. Allele origin: germline.
Comment: The LAMA3 c.781C>T variant is predicted to result in the amino acid substitution p.Arg261Cys. To our knowledge, this variant has not been reported in the literature. This variant is reported in 0.020% of alleles in individuals of European (Non-Finnish) descent in gnomAD. At this time, the clinical significance of this variant is uncertain due to the absence of conclusive functional and genetic evidence.

Breakthrough Genomics
Classification: Uncertain significance. Review status: criteria provided, single submitter. Criteria: ACMG Guidelines, 2015. Collection method: not provided. Allele origin: germline. Inheritance: Autosomal recessive inheritance. Affected: yes.

NM_198129.4(LAMA3):c.781C>T (p.Arg261Cys)

Gene: LAMA3 (laminin subunit alpha 3; plus strand). Cytogenetic location: 18q11.2.
Variant type: single nucleotide variant.
Coding change: c.781C>T on transcript NM_198129.4 (MANE Select); coding-DNA position 781, C replaced by T.
Protein change: p.Arg261Cys; replaces arginine 261 with cysteine.
Molecular consequence: missense variant. On other transcripts: non-coding transcript variant (1).
Genome position (GRCh38, 1-based): chr18:23,751,014, C>T. VCF-style: chr18-23751014-C-T. GRCh37 (hg19) VCF-style: chr18-21330978-C-T.
Other names: c.781C>T, p.Arg261Cys (NM_001127717.4, NM_001302996.2); short protein forms R261C.
Identifiers: ClinVar variation 2634340 (VCV002634340.2), dbSNP rs368448744, ClinGen allele CA8914349.